The following is an entry in ClinVar:

NM_001283009.2(RTEL1):c.2434C>A (p.Pro812Thr)

Genes: RTEL1 (regulator of telomere elongation helicase 1; plus strand), RTEL1-TNFRSF6B (RTEL1-TNFRSF6B readthrough (NMD candidate); plus strand). Cytogenetic location: 20q13.33.
Variant type: single nucleotide variant.
Coding change: c.2434C>A on transcript NM_001283009.2 (MANE Select); coding-DNA position 2434, C replaced by A.
Protein change: p.Pro812Thr; replaces proline 812 with threonine.
Molecular consequence: missense variant. On other transcripts: non-coding transcript variant (1).
Genome position (GRCh38, 1-based): chr20:63,690,825, C>A. VCF-style: chr20-63690825-C-A. GRCh37 (hg19) VCF-style: chr20-62322178-C-A.
Other names: c.1765C>A, p.Pro589Thr (NM_001283010.1); c.2434C>A, p.Pro812Thr (NM_016434.4); c.2506C>A, p.Pro836Thr (NM_032957.5); short protein forms P812T, P589T, P836T.
Identifiers: ClinVar variation 657466 (VCV000657466.12), dbSNP rs1601173488, ClinGen allele CA409681411.

ClinVar aggregate classification (germline): Uncertain significance. Review status: criteria provided, multiple submitters, no conflicts (2 of 4 stars). 2 submissions from 2 submitters: Uncertain significance (2). Last evaluated 2025-08-20.

Conditions:
Inborn genetic diseases. Identifiers: MedGen C0950123, MeSH D030342.
Pulmonary fibrosis and/or bone marrow failure, Telomere-related, 3. Also called: PULMONARY FIBROSIS AND/OR BONE MARROW FAILURE SYNDROME, TELOMERE-RELATED, 3. Identifiers: Orphanet 2032, MedGen C4225346, MONDO:0014613, OMIM 616373.
Dyskeratosis congenita, autosomal recessive 5 (DKCB5). Identifiers: MedGen C3554656, MONDO:0014076, OMIM 615190.

gnomAD v4.1: 3 of 1,605,502 alleles (0.00019%); highest among the groups gnomAD compares: Non-Finnish European, 0.00025%; no homozygotes.

Submissions (2):

Ambry Genetics
Classification: Uncertain significance for Inborn genetic diseases. Last evaluated: 2025-08-20. Review status: criteria provided, single submitter. Criteria: Ambry Variant Classification Scheme 2023. Collection method: clinical testing. Allele origin: germline.
Comment: The p.P812T variant (also known as c.2434C>A), located in coding exon 26 of the RTEL1 gene, results from a C to A substitution at nucleotide position 2434. The proline at codon 812 is replaced by threonine, an amino acid with highly similar properties. This amino acid position is conserved. In addition, this alteration is predicted to be tolerated by in silico analysis. Based on the available evidence, the clinical significance of this variant remains unclear.

Labcorp Genetics (formerly Invitae), Labcorp
Classification: Uncertain significance for Dyskeratosis congenita, autosomal recessive 5; Pulmonary fibrosis and/or bone marrow failure, Telomere-related, 3. Last evaluated: 2024-02-17. Review status: criteria provided, single submitter. Criteria: Invitae Variant Classification Sherloc (09022015). Collection method: clinical testing. Allele origin: germline.
Comment: This sequence change replaces proline, which is neutral and non-polar, with threonine, which is neutral and polar, at codon 812 of the RTEL1 protein (p.Pro812Thr). This variant is not present in population databases (gnomAD no frequency). This variant has not been reported in the literature in individuals affected with RTEL1-related conditions. ClinVar contains an entry for this variant (Variation ID: 657466). Algorithms developed to predict the effect of missense changes on protein structure and function output the following: SIFT: "Not Available"; PolyPhen-2: "Benign"; Align-GVGD: "Not Available". The threonine amino acid residue is found in multiple mammalian species, which suggests that this missense change does not adversely affect protein function. In summary, the available evidence is currently insufficient to determine the role of this variant in disease. Therefore, it has been classified as a Variant of Uncertain Significance.